The following is an entry in ClinVar:

NM_033380.3(COL4A5):c.2908G>A (p.Gly970Ser)

Gene: COL4A5 (collagen type IV alpha 5 chain; plus strand). Cytogenetic location: Xq22.3.
Variant type: single nucleotide variant.
Coding change: c.2908G>A on transcript NM_033380.3 (MANE Select); coding-DNA position 2908, G replaced by A.
Protein change: p.Gly970Ser; replaces glycine 970 with serine.
Molecular consequence: missense variant.
Genome position (GRCh38, 1-based): chrX:108,622,816, G>A. VCF-style: chrX-108622816-G-A. GRCh37 (hg19) VCF-style: chrX-107866046-G-A.
Other names: c.2908G>A (NM_000495.4); c.2908G>A, p.Gly970Ser (NM_000495.5); short protein forms G970S.
Identifiers: ClinVar variation 1487710 (VCV001487710.10), dbSNP rs2147865920, ClinGen allele CA413853042.

ClinVar aggregate classification (germline): Likely pathogenic. Review status: criteria provided, multiple submitters, no conflicts (2 of 4 stars). 3 submissions from 3 submitters: Likely pathogenic (3). Last evaluated 2025-09-08.

Conditions:
X-linked Alport syndrome (ATS1). Also called: NEPHROPATHY AND DEAFNESS, X-LINKED; COL4A5-Related Nephropathy. Identifiers: Orphanet 63, Orphanet 88917, MedGen C4746986, MONDO:0010520, OMIM 301050.

gnomAD v4.1: 1 of 1,207,064 alleles (0.000083%); highest among the groups gnomAD compares: Non-Finnish European, 0.00011%; no homozygotes.

Submissions (3):

Natera, Inc.
Classification: Likely pathogenic for X-linked Alport syndrome. Last evaluated: 2025-09-08. Review status: criteria provided, single submitter. Criteria: Natera Variant Classification Schema (03/2026). Collection method: clinical testing. Allele origin: germline.
Comment: The c.2908G>A variant in COL4A5 is a missense variant predicted to cause substitution of glycine to serine at amino acid 970. This variant is rare in the general population with a frequency below the threshold expected for the associated phenotype(s). This variant is located in a functionally critical region of the protein. Computational prediction algorithms indicate this variant is likely to affect gene or protein function. Given the available evidence, this variant is classified as Likely Pathogenic.

Labcorp Genetics (formerly Invitae), Labcorp
Classification: Likely pathogenic. Last evaluated: 2024-05-21. Review status: criteria provided, single submitter. Criteria: Invitae Variant Classification Sherloc (09022015). Collection method: clinical testing. Allele origin: germline.
Comment: This sequence change replaces glycine, which is neutral and non-polar, with serine, which is neutral and polar, at codon 970 of the COL4A5 protein (p.Gly970Ser). This variant is not present in population databases (gnomAD no frequency). This missense change has been observed in individual(s) with clinical features of Alport syndrome (Invitae). ClinVar contains an entry for this variant (Variation ID: 1487710). Advanced modeling of protein sequence and biophysical properties (such as structural, functional, and spatial information, amino acid conservation, physicochemical variation, residue mobility, and thermodynamic stability) performed at Invitae indicates that this missense variant is expected to disrupt COL4A5 protein function with a positive predictive value of 95%. This variant disrupts the triple helix domain of COL4A5. Glycine residues within the Gly-Xaa-Yaa repeats of the triple helix domain are required for the structure and stability of fibrillar collagens (PMID: 7695699, 8218237, 19344236). In COL4A5, missense variants at these glycine residues are significantly enriched in individuals with disease (PMID: 23720012, 27627812) compared to the general population (ExAC). In summary, the currently available evidence indicates that the variant is pathogenic, but additional data are needed to prove that conclusively. Therefore, this variant has been classified as Likely Pathogenic.

Fulgent Genetics
Classification: Likely pathogenic for X-linked Alport syndrome. Last evaluated: 2024-05-16. Review status: criteria provided, single submitter. Criteria: ACMG Guidelines, 2015. Collection method: clinical testing. Allele origin: germline.

Literature cited by the submitters: PubMed 7695699 (cited by Labcorp Genetics (formerly Invitae), Labcorp); PubMed 8218237 (cited by Labcorp Genetics (formerly Invitae), Labcorp); PubMed 19344236 (cited by Labcorp Genetics (formerly Invitae), Labcorp); PubMed 23720012 (cited by Labcorp Genetics (formerly Invitae), Labcorp); PubMed 27627812 (cited by Labcorp Genetics (formerly Invitae), Labcorp).